The following is an entry in ClinVar:

NM_001202.6(BMP4):c.-155G>A

Genes: BMP4 (bone morphogenetic protein 4; minus strand), LOC109433677 (BMP4 promoter region; plus strand). Cytogenetic location: 14q22.2.
Variant type: single nucleotide variant.
Coding change: c.-155G>A on transcript NM_001202.6 (MANE Select); 155 bases upstream of the start codon, G replaced by A.
Molecular consequence: 5 prime UTR variant. On other transcripts: intron variant (2).
Genome position (GRCh38, 1-based): chr14:53,956,572, C>T on the plus strand (G>A on the coding strand, the complement: BMP4 is on the minus strand). VCF-style: chr14-53956572-C-T. GRCh37 (hg19) VCF-style: chr14-54423290-C-T.
Other names: c.-291G>A (NM_001347913.2); c.62+187G>A (NM_001347912.1); c.-133+187G>A (NM_130850.5).
Identifiers: ClinVar variation 881630 (VCV000881630.4), dbSNP rs540859284, ClinGen allele CA261473328.
Genomic context (GRCh38, chr14:53,956,572, plus strand): 5'-CCTCTGCCTGTCTCCCCTCACCAGGTAGCCTTGCTCACCATAGGTCCCTGCAGTAGCGGG[C>T]TCGCCAGCAGCAGCTCCTGGGGACCTCTGAACGGTTGCAGTGAACCTGGGCGAGGGCCGG-3'

ClinVar aggregate classification (germline): Benign/Likely benign. Review status: criteria provided, single submitter (1 of 4 stars). 2 submissions from 1 submitter: Benign (1); Likely benign (1). Last evaluated 2018-01-12.

Conditions:
Microphthalmia with brain and digit anomalies (MCOPS6). Also called: Microphthalmia, syndromic 6; MICROPHTHALMIA AND PITUITARY ANOMALIES. Identifiers: Orphanet 139471, MedGen C1864689, MONDO:0011936, OMIM 607932.
Orofacial cleft 11 (OFC11). Also called: Orofacial cleft 11; ofc11; CLEFT LIP WITH OR WITHOUT CLEFT PALATE, NONSYNDROMIC, 11. Identifiers: MedGen C2677434, MONDO:0010906, OMIM 600625.

Allele frequency attached by ClinVar (database versions not stated): gnomAD exomes 0.00010; gnomAD 0.00040 and 0.00044; TOPMed 0.00055; 1000 Genomes Project 0.00060; 1000 Genomes Project 30x 0.00109.
gnomAD v4.1: 84 of 399,324 alleles (0.021%); highest among the groups gnomAD compares: African/African-American, 0.17%; 1 homozygote.

Submissions (2):

Illumina Laboratory Services, Illumina
Classification: Likely benign for Orofacial cleft 11. Last evaluated: 2018-01-12. Review status: criteria provided, single submitter. Criteria: ICSL Variant Classification Criteria 13 December 2019. Collection method: clinical testing. Allele origin: germline.
Comment: This variant was observed in the ICSL laboratory as part of a predisposition screen in an ostensibly healthy population. It had not been previously curated by ICSL or reported in the Human Gene Mutation Database (HGMD: prior to June 1st, 2018), and was therefore a candidate for classification through an automated scoring system. Utilizing variant allele frequency, disease prevalence and penetrance estimates, and inheritance mode, an automated score was calculated to assess if this variant is too frequent to cause the disease. Based on the score and internal cut-off values, a variant classified as likely benign is not then subjected to further curation. The score for this variant resulted in a classification of likely benign for this disease.

Illumina Laboratory Services, Illumina
Classification: Benign for Microphthalmia with brain and digit anomalies. Last evaluated: 2018-01-12. Review status: criteria provided, single submitter. Criteria: ICSL Variant Classification Criteria 13 December 2019. Collection method: clinical testing. Allele origin: germline.
Comment: This variant was observed in the ICSL laboratory as part of a predisposition screen in an ostensibly healthy population. It had not been previously curated by ICSL or reported in the Human Gene Mutation Database (HGMD: prior to June 1st, 2018), and was therefore a candidate for classification through an automated scoring system. Utilizing variant allele frequency, disease prevalence and penetrance estimates, and inheritance mode, an automated score was calculated to assess if this variant is too frequent to cause the disease. Based on the score and internal cut-off values, a variant classified as benign is not then subjected to further curation. The score for this variant resulted in a classification of benign for this disease.